The following is an entry in ClinVar:

NM_203446.3(SYNJ1):c.-86G>A

Gene: SYNJ1 (synaptojanin 1; minus strand). Cytogenetic location: 21q22.11.
Variant type: single nucleotide variant.
Coding change: c.-86G>A on transcript NM_203446.3 (MANE Select); 86 bases upstream of the start codon, G replaced by A.
Molecular consequence: 5 prime UTR variant. On other transcripts: missense variant (1).
Genome position (GRCh38, 1-based): chr21:32,728,009, C>T on the plus strand (G>A on the coding strand, the complement: SYNJ1 is on the minus strand). VCF-style: chr21-32728009-C-T. GRCh37 (hg19) VCF-style: chr21-34100320-C-T.
Other names: c.32G>A, p.Ser11Asn (NM_003895.4); short protein forms S11N.
Identifiers: ClinVar variation 646660 (VCV000646660.12), dbSNP rs768854034, ClinGen allele CA10004261.

ClinVar aggregate classification (germline): Uncertain significance. Review status: criteria provided, multiple submitters, no conflicts (2 of 4 stars). 2 submissions from 2 submitters: Uncertain significance (2). Last evaluated 2024-10-17.

Conditions:
Developmental and epileptic encephalopathy, 53. Also called: Epileptic encephalopathy, early infantile, 53. Identifiers: MedGen C4479313, MONDO:0033362, OMIM 617389.
Early-onset Parkinson disease 20. Also called: PARKINSON DISEASE 20, AUTOSOMAL RECESSIVE EARLY-ONSET. Identifiers: Orphanet 391411, MedGen C3809824, MONDO:0014233, OMIM 615530.
Inborn genetic diseases. Identifiers: MedGen C0950123, MeSH D030342.

Allele frequency attached by ClinVar (database versions not stated): gnomAD 0.00001 and 0.00003; gnomAD exomes 0.00003; ExAC 0.00009; 1000 Genomes Project 30x 0.00016.

Submissions (2):

Labcorp Genetics (formerly Invitae), Labcorp
Classification: Uncertain significance for Developmental and epileptic encephalopathy, 53; Early-onset Parkinson disease 20. Last evaluated: 2024-10-17. Review status: criteria provided, single submitter. Criteria: Invitae Variant Classification Sherloc (09022015). Collection method: clinical testing. Allele origin: germline.
Comment: This sequence change replaces serine, which is neutral and polar, with asparagine, which is neutral and polar, at codon 11 of the SYNJ1 protein (p.Ser11Asn). This variant is present in population databases (rs768854034, gnomAD 0.02%). This missense change has been observed in individual(s) with early-onset Parkinson disease (PMID: 35861376). ClinVar contains an entry for this variant (Variation ID: 646660). An algorithm developed to predict the effect of missense changes on protein structure and function (PolyPhen-2) suggests that this variant¬¨‚Ä†is likely to be tolerated. In summary, the available evidence is currently insufficient to determine the role of this variant in disease. Therefore, it has been classified as a Variant of Uncertain Significance.

Ambry Genetics
Classification: Uncertain significance for Inborn genetic diseases. Last evaluated: 2023-06-29. Review status: criteria provided, single submitter. Criteria: Ambry Variant Classification Scheme 2023. Collection method: clinical testing. Allele origin: germline.

Literature cited by the submitters: PubMed 35861376 (cited by Labcorp Genetics (formerly Invitae), Labcorp).